The following is an entry in ClinVar:

NM_001165963.4(SCN1A):c.5956T>C (p.Tyr1986His)

Genes: SCN1A (sodium voltage-gated channel alpha subunit 1; minus strand), LOC102724058 (uncharacterized LOC102724058; plus strand). Cytogenetic location: 2q24.3.
Variant type: single nucleotide variant.
Coding change: c.5956T>C on transcript NM_001165963.4 (MANE Select); coding-DNA position 5956, T replaced by C.
Protein change: p.Tyr1986His; replaces tyrosine 1986 with histidine.
Molecular consequence: missense variant. On other transcripts: non-coding transcript variant (1).
Genome position (GRCh38, 1-based): chr2:165,991,319, A>G on the plus strand (T>C on the coding strand, the complement: SCN1A is on the minus strand). VCF-style: chr2-165991319-A-G. GRCh37 (hg19) VCF-style: chr2-166847829-A-G.
Other names: c.5956T>C, p.Tyr1986His (NM_001202435.3, NM_001353948.2); c.5923T>C, p.Tyr1975His (NM_001353949.2, NM_001353951.2, NM_001353952.2 and 2 more transcripts); c.5872T>C, p.Tyr1958His (NM_001165964.3, NM_001353957.2, NM_001353958.2); c.5920T>C, p.Tyr1974His (NM_001353954.2, NM_001353955.2); c.5869T>C, p.Tyr1957His (NM_001353960.2); c.3514T>C, p.Tyr1172His (NM_001353961.2); short protein forms Y1172H, Y1957H, Y1958H, Y1974H, Y1975H, Y1986H.
Identifiers: ClinVar variation 1203028 (VCV001203028.3), dbSNP rs2105421114, ClinGen allele CA349063103.
Genomic context (GRCh38, chr2:165,991,319, plus strand): 5'-CTTTTTCATCTTTGCCTTCTTGCTCATGTTTTTCCACAATTGGCTTTGTCACCCGGTCAT[A>G]GGAAGGTGGACAAGCTGCAGTGGACATGGTCAGATCAGTTTTTTCTGTAATAGAGTTTTC-3'
Protein context (NP_001159435.1, residues 1976-1996): TMSTAACPPS[Tyr1986His]DRVTKPIVEK

ClinVar aggregate classification (germline): Uncertain significance (1 of 4 stars; one submission).

Submission:

GeneDx
Classification: Uncertain significance. Last evaluated: 2019-10-07. Review status: criteria provided, single submitter. Criteria: GeneDx Variant Classification Process June 2021. Collection method: clinical testing. Allele origin: germline. Affected: yes.
Comment: The majority of missense variants in this gene are considered pathogenic (Stenson et al., 2014); In silico analysis, which includes protein predictors and evolutionary conservation, supports a deleterious effect; Not observed in large population cohorts (Lek et al., 2016); Has not been previously published as pathogenic or benign to our knowledge